The following is an entry in ClinVar:

NM_000416.3(IFNGR1):c.1229A>G (p.Asn410Ser)

Gene: IFNGR1 (interferon gamma receptor 1; minus strand). Cytogenetic location: 6q23.3.
Variant type: single nucleotide variant.
Coding change: c.1229A>G on transcript NM_000416.3 (MANE Select); coding-DNA position 1229, A replaced by G.
Protein change: p.Asn410Ser; replaces asparagine 410 with serine.
Molecular consequence: missense variant.
Genome position (GRCh38, 1-based): chr6:137,198,272, T>C on the plus strand (A>G on the coding strand, the complement: IFNGR1 is on the minus strand). VCF-style: chr6-137198272-T-C. GRCh37 (hg19) VCF-style: chr6-137519409-T-C.
Other names: c.1199A>G, p.Asn400Ser (NM_001363526.1); c.1106A>G, p.Asn369Ser (NM_001363527.1); short protein forms N369S, N400S, N410S.
Identifiers: ClinVar variation 1952608 (VCV001952608.5), dbSNP rs1779144210, ClinGen allele CA365772433.

ClinVar aggregate classification (germline): Uncertain significance (1 of 4 stars; one submission).

Conditions:
Disseminated atypical mycobacterial infection. Identifiers: MedGen C0694566.

Allele frequency attached by ClinVar (database versions not stated): gnomAD exomes below 0.00001; TOPMed below 0.00001.

Submission:

Labcorp Genetics (formerly Invitae), Labcorp
Classification: Uncertain significance for Disseminated atypical mycobacterial infection. Last evaluated: 2023-07-07. Review status: criteria provided, single submitter. Criteria: Invitae Variant Classification Sherloc (09022015). Collection method: clinical testing. Allele origin: germline.
Comment: This sequence change replaces asparagine, which is neutral and polar, with serine, which is neutral and polar, at codon 410 of the IFNGR1 protein (p.Asn410Ser). This variant is not present in population databases (gnomAD no frequency). This variant has not been reported in the literature in individuals affected with IFNGR1-related conditions. ClinVar contains an entry for this variant (Variation ID: 1952608). An algorithm developed to predict the effect of missense changes on protein structure and function (PolyPhen-2) suggests that this variant is likely to be tolerated. In summary, the available evidence is currently insufficient to determine the role of this variant in disease. Therefore, it has been classified as a Variant of Uncertain Significance.